The following is an entry in ClinVar:

ClinVar aggregate classification (germline): Uncertain significance (1 of 4 stars; one submission).

Conditions:
Thrombophilia due to protein S deficiency, autosomal recessive (THPH6). Identifiers: Orphanet 743, MedGen C3281092, MONDO:0013791, OMIM 614514. Disease mechanism: loss of function.

Allele frequency attached by ClinVar (database versions not stated): gnomAD exomes below 0.00001.
gnomAD v4.1: 1 of 1,613,756 alleles (0.000062%); highest among the groups gnomAD compares: South Asian, 0.0011%; no homozygotes.

Submission:

Labcorp Genetics (formerly Invitae), Labcorp
Classification: Uncertain significance for Thrombophilia due to protein S deficiency, autosomal recessive. Last evaluated: 2025-07-29. Review status: criteria provided, single submitter. Criteria: Invitae Variant Classification Sherloc (09022015). Collection method: clinical testing. Allele origin: germline.
Comment: This sequence change replaces glycine, which is neutral and non-polar, with aspartic acid, which is acidic and polar, at codon 487 of the PROS1 protein (p.Gly487Asp). This variant is not present in population databases (gnomAD no frequency). This missense change has been observed in individual(s) with protein S deficiency disease (internal data). ClinVar contains an entry for this variant (Variation ID: 1063105). Invitae Evidence Modeling of protein sequence and biophysical properties (such as structural, functional, and spatial information, amino acid conservation, physicochemical variation, residue mobility, and thermodynamic stability) indicates that this missense variant is expected to disrupt PROS1 protein function with a positive predictive value of 80%. In summary, the available evidence is currently insufficient to determine the role of this variant in disease. Therefore, it has been classified as a Variant of Uncertain Significance.

NM_000313.4(PROS1):c.1460G>A (p.Gly487Asp)

Gene: PROS1 (protein S; minus strand). Cytogenetic location: 3q11.1.
Variant type: single nucleotide variant.
Coding change: c.1460G>A on transcript NM_000313.4 (MANE Select); coding-DNA position 1460, G replaced by A.
Protein change: p.Gly487Asp; replaces glycine 487 with aspartic acid.
Molecular consequence: missense variant.
Genome position (GRCh38, 1-based): chr3:93,884,760, C>T on the plus strand (G>A on the coding strand, the complement: PROS1 is on the minus strand). VCF-style: chr3-93884760-C-T. GRCh37 (hg19) VCF-style: chr3-93603604-C-T.
Other names: c.1556G>A, p.Gly519Asp (NM_001314077.2); short protein forms G487D, G519D.
Identifiers: ClinVar variation 1063105 (VCV001063105.5), dbSNP rs2107137352, ClinGen allele CA353667699.